The following is an entry in ClinVar:

NM_001164664.2(MAST4):c.4671C>T (p.Pro1557=)

Gene: MAST4 (microtubule associated serine/threonine kinase family member 4; plus strand). Cytogenetic location: 5q12.3.
Variant type: single nucleotide variant.
Coding change: c.4671C>T on transcript NM_001164664.2 (MANE Select); coding-DNA position 4671, C replaced by T.
Protein change: p.Pro1557=; no amino-acid change (proline 1557 retained).
Molecular consequence: synonymous variant.
Genome position (GRCh38, 1-based): chr5:67,163,850, C>T. VCF-style: chr5-67163850-C-T. GRCh37 (hg19) VCF-style: chr5-66459678-C-T.
Other names: c.4053C>T, p.Pro1351= (NM_001290226.2); c.3888C>T, p.Pro1296= (NM_001290227.2, NM_001393527.1); c.4089C>T, p.Pro1363= (NM_001297651.2); c.4680C>T, p.Pro1560= (NM_001393524.1); c.4470C>T, p.Pro1490= (NM_001393525.1); c.3903C>T, p.Pro1301= (NM_001393526.1); c.3867C>T, p.Pro1289= (NM_001393528.1); c.4104C>T, p.Pro1368= (NM_015183.3).
Identifiers: ClinVar variation 4872208 (VCV004872208.2).

ClinVar aggregate classification (germline): Likely benign (1 of 4 stars; one submission).

gnomAD v4.1: 78 of 1,613,770 alleles (0.0048%); highest among the groups gnomAD compares: Admixed American, 0.12%; no homozygotes.

Submission:

CeGaT Center for Human Genetics Tuebingen
Classification: Likely benign. Last evaluated: 2026-06-01. Review status: criteria provided, single submitter. Criteria: CeGaT Center For Human Genetics Tuebingen Variant Classification Criteria Version 2. Collection method: clinical testing. Allele origin: germline. Affected: yes. Observed: 1 variant allele.
Comment: MAST4: BP4, BP7